The following is an entry in ClinVar:

ClinVar aggregate classification (germline): Uncertain significance (1 of 4 stars; one submission).

Conditions:
Pityriasis rubra pilaris (PRP). Also called: Pityriasis rubra pilaris--familial type. Identifiers: Orphanet 2897, MedGen C0032027, MONDO:0100017, OMIM 173200, MONDO:0008251.
Psoriasis 2. Identifiers: MedGen C1864497, MONDO:0011269, OMIM 602723.

Submission:

Labcorp Genetics (formerly Invitae), Labcorp
Classification: Uncertain significance for Pityriasis rubra pilaris; Psoriasis 2. Last evaluated: 2026-01-24. Review status: criteria provided, single submitter. Criteria: Invitae Variant Classification Sherloc (09022015). Collection method: clinical testing. Allele origin: germline.
Comment: This sequence change falls in intron 8 of the CARD14 gene. It does not directly change the encoded amino acid sequence of the CARD14 protein. It affects a nucleotide within the consensus splice site. This variant is not present in population databases (gnomAD no frequency). This variant has not been reported in the literature in individuals affected with CARD14-related conditions. Variants that disrupt the consensus splice site are a relatively common cause of aberrant splicing (PMID: 17576681, 9536098). Algorithms developed to predict the effect of sequence changes on RNA splicing suggest that this variant is not likely to affect RNA splicing. In summary, the available evidence is currently insufficient to determine the role of this variant in disease. Therefore, it has been classified as a Variant of Uncertain Significance.

Literature cited by the submitters: PubMed 17576681; PubMed 9536098.

NM_001366385.1(CARD14):c.1239+3G>A

Gene: CARD14 (caspase recruitment domain family member 14; plus strand). Cytogenetic location: 17q25.3.
Variant type: single nucleotide variant.
Coding change: c.1239+3G>A on transcript NM_001366385.1 (MANE Select); 3 bases into the intron after coding-DNA position 1239, G replaced by A.
Molecular consequence: intron variant.
Genome position (GRCh38, 1-based): chr17:80,191,475, G>A. VCF-style: chr17-80191475-G-A. GRCh37 (hg19) VCF-style: chr17-78165274-G-A.
Other names: c.1239+3G>A (NM_024110.4, NM_001257970.1); c.528+3G>A (NM_052819.3).
Identifiers: ClinVar variation 4787318 (VCV004787318.1).